The following is an entry in ClinVar:

NM_000474.4(TWIST1):c.260_271del (p.Ala87_Gly90del)

Gene: TWIST1 (twist family bHLH transcription factor 1; minus strand). Cytogenetic location: 7p21.1.
Variant type: Deletion.
Coding change: c.260_271del on transcript NM_000474.4 (MANE Select); coding-DNA positions 260 to 271, 12 bases deleted (CGGGCGGCGGCG).
Protein change: p.Ala87_Gly90del.
Molecular consequence: inframe deletion. On other transcripts: non-coding transcript variant (1).
Genome position (GRCh38, 1-based): chr7:19,117,051-19,117,062, CGCCGCCGCCCG deleted on the plus strand (CGGGCGGCGGCG on the coding strand, the reverse complement: TWIST1 is on the minus strand); deleting any 12 consecutive bases within chr7:19,117,051-19,117,072 gives the same sequence; the c. name uses the placement nearest the transcript's 3' end. VCF-style (leftmost placement, unchanged base first): chr7-19117050-CCGCCGCCGCCCG-C. GRCh37 (hg19) VCF-style: chr7-19156673-CCGCCGCCGCCCG-C.
Identifiers: ClinVar variation 2573415 (VCV002573415.1), dbSNP rs766361142, ClinGen allele CA4174530.
Genomic context (GRCh38, chr7:19,117,050, plus strand): 5'-ACCCGCTGCGTCTGCAGCTCCTCGTAAGACTGCGGACTCCCGCCGCCGCTGCTGCTGCCG[CCGCCGCCGCCCG>C]CGCCGCCGCCGCCGCCACAGCCCGCAGACTTCTTGCCGCGCTTGCCCTGGGCCGGGCTGC-3'

ClinVar aggregate classification (germline): Uncertain significance (1 of 4 stars; one submission).

Submission:

Women's Health and Genetics/Laboratory Corporation of America, LabCorp
Classification: Uncertain significance. Last evaluated: 2023-06-13. Review status: criteria provided, single submitter. Criteria: LabCorp Variant Classification Summary - May 2015. Collection method: clinical testing. Allele origin: germline.
Comment: Variant summary: TWIST1 c.260_271del12 (p.Ala87_Gly90del) results in an in-frame deletion that is predicted to remove four amino acids from the encoded protein. The variant allele was found at a frequency of 2e-05 in 49100 control chromosomes (gnomAD), but a larger deletion that spans the entirety of this variant was found at a frequency of 0.007 in 92684 control chromosomse with 105 homozygotes (gnomAD). To our knowledge, no occurrence of c.260_271del12 in individuals affected with TWIST1-Related Disorders and no experimental evidence demonstrating its impact on protein function have been reported. No clinical diagnostic laboratories have submitted clinical-significance assessments for this variant to ClinVar after 2014. Based on the evidence outlined above, the variant was classified as VUS-possibly benign.